The following is an entry in ClinVar:

NM_001270.4(CHD1):c.3254G>T (p.Ser1085Ile)

Gene: CHD1 (chromodomain helicase DNA binding protein 1; minus strand). Cytogenetic location: 5q15.
Variant type: single nucleotide variant.
Coding change: c.3254G>T on transcript NM_001270.4 (MANE Select); coding-DNA position 3254, G replaced by T.
Protein change: p.Ser1085Ile; replaces serine 1085 with isoleucine.
Molecular consequence: missense variant. On other transcripts: non-coding transcript variant (2).
Genome position (GRCh38, 1-based): chr5:98,876,542, C>A on the plus strand (G>T on the coding strand, the complement: CHD1 is on the minus strand). VCF-style: chr5-98876542-C-A. GRCh37 (hg19) VCF-style: chr5-98212246-C-A.
Other names: c.3254G>T, p.Ser1085Ile (NM_001364113.3, NM_001376194.2); short protein forms S1085I.
Identifiers: ClinVar variation 3368040 (VCV003368040.1).

ClinVar aggregate classification (germline): Uncertain significance (1 of 4 stars; one submission).

gnomAD v4.1: 2 of 1,613,644 alleles (0.00012%); highest among the groups gnomAD compares: Non-Finnish European, 0.000085%; no homozygotes.

Submission:

GeneDx
Classification: Uncertain significance. Last evaluated: 2024-01-25. Review status: criteria provided, single submitter. Criteria: GeneDx Variant Classification Process June 2021. Collection method: clinical testing. Allele origin: germline. Affected: yes.
Comment: Not observed at significant frequency in large population cohorts (gnomAD); In silico analysis supports that this missense variant has a deleterious effect on protein structure/function; Has not been previously published as pathogenic or benign to our knowledge